The following is an entry in ClinVar:

ClinVar aggregate classification (germline): Uncertain significance (1 of 4 stars; one submission).

Conditions:
Congenital disorder of glycosylation type Ir (CDG1R). Also called: DDOST-congenital disorder of glycosylation. Identifiers: Orphanet 300536, MedGen C3281084, MONDO:0013789, OMIM 614507.

Submission:

Labcorp Genetics (formerly Invitae), Labcorp
Classification: Uncertain significance for Congenital disorder of glycosylation type Ir. Last evaluated: 2022-06-24. Review status: criteria provided, single submitter. Criteria: Invitae Variant Classification Sherloc (09022015). Collection method: clinical testing. Allele origin: germline.
Comment: In summary, the available evidence is currently insufficient to determine the role of this variant in disease. Therefore, it has been classified as a Variant of Uncertain Significance. Experimental studies and prediction algorithms are not available or were not evaluated, and the functional significance of this variant is currently unknown. This variant has not been reported in the literature in individuals affected with DDOST-related conditions. This variant is present in population databases (rs751872569, gnomAD 0.009%). This variant, c.805_807del, results in the deletion of 1 amino acid(s) of the DDOST protein (p.Phe269del), but otherwise preserves the integrity of the reading frame.

NM_005216.5(DDOST):c.751TTC[1] (p.Phe252del)

Gene: DDOST (dolichyl-diphosphooligosaccharide--protein glycosyltransferase non-catalytic subunit; minus strand). Cytogenetic location: 1p36.12.
Variant type: Microsatellite.
Coding change: c.751TTC[1] on transcript NM_005216.5 (MANE Select); one copy of the 3-base unit TTC starting at c.751; the reference has two copies in a row; one copy, 3 bases deleted.
Protein change: p.Phe252del; deletes phenylalanine 252.
Molecular consequence: inframe deletion.
Genome position (GRCh38, 1-based): chr1:20,654,261-20,654,263, GAA deleted on the plus strand (TTC on the coding strand, the reverse complement: DDOST is on the minus strand); deleting any 3 consecutive bases within chr1:20,654,261-20,654,267 gives the same sequence; the position shown is the placement nearest the transcript's 3' end. VCF-style (leftmost placement, unchanged base first): chr1-20654260-TGAA-T. GRCh37 (hg19) VCF-style: chr1-20980753-TGAA-T.
Other names: short protein forms F252del.
Identifiers: ClinVar variation 1507911 (VCV001507911.6), dbSNP rs751872569, ClinGen allele CA661133.